The following is an entry in ClinVar:

ClinVar aggregate classification (germline): Uncertain significance. Review status: criteria provided, single submitter (1 of 4 stars). 2 submissions from 2 submitters: Uncertain significance (1). 1 of the submissions does not count toward it. Last evaluated 2023-04-05.

Conditions:
Abnormal circulating lipid concentration. Also called: Abnormality of lipid metabolism. Identifiers: MedGen C4025650, HP:0003119.

Submissions (2):

Ambry Genetics
Classification: Uncertain significance. Last evaluated: 2023-04-05. Review status: criteria provided, single submitter. Criteria: Ambry Variant Classification Scheme 2023. Collection method: clinical testing. Allele origin: germline.
Comment: Loss of function has not been established as a mechanism of disease._x000D_ Does not currently meet published gene-disease clinical validity criteria. Based on insufficient or conflicting evidence, the clinical significance of this alteration remains unclear.

Department of Endocrinology, Genetics and Metabolism, Shanghai Children's Medical Center
Classification: Likely pathogenic for Abnormal circulating lipid concentration. Review status: no assertion criteria provided. Collection method: clinical testing. Allele origin: unknown. Affected: yes. Not counted in ClinVar's aggregate classification.

Literature cited by the submitters: PubMed 28106320 (cited by Ambry Genetics); PubMed 28506971 (cited by Ambry Genetics); PubMed 32041611 (cited by Ambry Genetics).

NM_000078.3(CETP):c.1103del (p.Pro368fs)

Gene: CETP (cholesteryl ester transfer protein; plus strand). Cytogenetic location: 16q13.
Variant type: Deletion.
Coding change: c.1103del on transcript NM_000078.3 (MANE Select); coding-DNA position 1103, one base deleted (C; older notation c.1103delC).
Protein change: p.Pro368fs; shifts the reading frame from proline 368.
Molecular consequence: frameshift variant.
Genome position (GRCh38, 1-based): chr16:56,978,212, C deleted; the last of 2 consecutive C bases (chr16:56,978,211-56,978,212); deleting either gives the same sequence. VCF-style (leftmost placement, unchanged base first): chr16-56978210-TC-T. GRCh37 (hg19) VCF-style: chr16-57012122-TC-T.
Other names: c.923del, p.Pro308fs (NM_001286085.2); c.1103delC (NM_000078.2); short protein forms P308fs, P368fs.
Identifiers: ClinVar variation 1705271 (VCV001705271.3), dbSNP rs769850349, ClinGen allele CA8071217.